The following is an entry in ClinVar:

NC_000002.12:g.(?_202467509)_(202467699_?)del

Gene: BMPR2 (bone morphogenetic protein receptor type 2; plus strand). Cytogenetic location: 2q33.2.
Variant type: Deletion.
Identifiers: ClinVar variation 830694 (VCV000830694.2).

ClinVar aggregate classification (germline): Pathogenic. Review status: criteria provided, single submitter (1 of 4 stars). 2 submissions from 1 submitter: Pathogenic (2). Last evaluated 2020-10-18.

Conditions:
Pulmonary hypertension, primary, 1 (PPH1). Also called: Pulmonary hypertension, familial primary, 1, with or without HHT. Identifiers: Orphanet 422, MedGen C4552070, MONDO:0024533, OMIM 178600.
Primary pulmonary hypertension. Also called: Idiopathic pulmonary hypertension. Identifiers: MedGen C0152171.

Submissions (2):

Labcorp Genetics (formerly Invitae), Labcorp
Classification: Pathogenic for Primary pulmonary hypertension. Last evaluated: 2020-10-18. Review status: criteria provided, single submitter. Criteria: Invitae Variant Classification Sherloc (09022015). Collection method: clinical testing. Allele origin: germline.
Comment: This variant is an in-frame deletion of the genomic region encompassing exon 3 of the BMPR2 gene. It preserves the integrity of the reading frame. This variant has been observed in individual(s) with pulmonary arterial hypertension (PMID: 28388887, 16728714, 21801371). This variant disrupts the p.Cys99 amino acid residue in BMPR2. Other variant(s) that disrupt this residue have been determined to be pathogenic (PMID: 19555857, 30578397, Invitae). This suggests that this residue is clinically significant, and that variants that disrupt this residue are likely to be disease-causing. For these reasons, this variant has been classified as Pathogenic.

Labcorp Genetics (formerly Invitae), Labcorp
Classification: Pathogenic for Idiopathic Pulmonary Hypertension. Last evaluated: 2019-12-16. Review status: criteria provided, single submitter. Criteria: Invitae Variant Classification Sherloc (09022015). Collection method: clinical testing. Allele origin: germline.
Comment: the same text as in the submission from Labcorp Genetics (formerly Invitae), Labcorp above.

Literature cited by the submitters: PubMed 28388887; PubMed 16728714; PubMed 21801371; PubMed 19555857; PubMed 30578397.